The following is an entry in ClinVar:

ClinVar aggregate classification (germline): Benign (1 of 4 stars; one submission).

Conditions:
Autoinflammatory disease, multisystem, with immune dysregulation, X-linked (ADMIDX). Identifiers: MedGen C5829577, MONDO:0957494, OMIM 301109.

Submission:

Genetics and Genomic Sciences, Icahn School of Medicine at Mount Sinai
Classification: Benign for Autoinflammatory disease, multisystem, with immune dysregulation, X-linked. Last evaluated: 2025-04-10. Review status: criteria provided, single submitter. Criteria: ACMG Guidelines, 2015. Collection method: in vitro. Allele origin: not applicable. Inheritance: X-linked inheritance. Functional consequence: functionally_normal.
Comment: This splice site variant located in intron 27 is predicted to possibly lead to loss of a splice donor site and exon skipping of exon 27. This variant is private and to our knowledge has not been reported in any publicly available database before. Western blot of T cell blasts from the proband confirmed normal DOCK11 protein expression. RNA-seq of whole blood from the proband showed no change in splicing pattern around exon 27 compared to unrelated healthy controls. Given the lack of segregation , normal protein expression, and lack of an effect on splicing, we interpret this variant as benign.

Literature cited by the submitters: PubMed 37342957.

NM_144658.4(DOCK11):c.2949+3A>T

Gene: DOCK11 (dedicator of cytokinesis 11; plus strand). Cytogenetic location: Xq24.
Variant type: single nucleotide variant.
Coding change: c.2949+3A>T on transcript NM_144658.4 (MANE Select); 3 bases into the intron after coding-DNA position 2949, A replaced by T.
Molecular consequence: intron variant.
Genome position (GRCh38, 1-based): chrX:118,609,352, A>T. VCF-style: chrX-118609352-A-T. GRCh37 (hg19) VCF-style: chrX-117743315-A-T.
Identifiers: ClinVar variation 3897941 (VCV003897941.2).
Genomic context (GRCh38, chrX:118,609,352, plus strand): 5'-CTTTGAAATAATTGCAAAGTCAATGGCCACATACTTGTTGGAAGAGAATAAGATTAAGGT[A>T]AGTAAATTAAGGTAAAGAATAACTTTCAATTGGCAAATGATAATTGTATATATAAGAATA-3'